The following is an entry in ClinVar:

NM_004563.4(PCK2):c.1267C>T (p.Arg423Ter)

Genes: NRL (neural retina leucine zipper; minus strand), PCK2 (phosphoenolpyruvate carboxykinase 2, mitochondrial; plus strand). Cytogenetic location: 14q12.
Variant type: single nucleotide variant.
Coding change: c.1267C>T on transcript NM_004563.4 (MANE Select); coding-DNA position 1267, C replaced by T.
Protein change: p.Arg423Ter; replaces arginine 423 with a stop codon.
Molecular consequence: nonsense. On other transcripts: intron variant (3).
Genome position (GRCh38, 1-based): chr14:24,102,785, C>T. VCF-style: chr14-24102785-C-T. GRCh37 (hg19) VCF-style: chr14-24571994-C-T.
Other names: c.865C>T, p.Arg289Ter (NM_001291556.2, NM_001308054.2); c.-28+11937G>A (NM_001354768.3, NM_001354770.2); c.-254+11937G>A (NM_006177.5); short protein forms R289*, R423*.
Identifiers: ClinVar variation 2725443 (VCV002725443.3), dbSNP rs200437491, ClinGen allele CA7123430.
Genomic context (GRCh38, chr14:24,102,785, plus strand): 5'-ATAATAGTGTTTGTATTTCCTCTGCCAGGTGACAAGGAGCCCTGTGCACATCCCAACTCT[C>T]GATTTTGTGCCCCGGCTCGCCAGTGCCCCATCATGGACCCAGCCTGGGAGGCCCCAGAGG-3'

ClinVar aggregate classification (germline): Uncertain significance (1 of 4 stars; one submission).

Allele frequency attached by ClinVar (database versions not stated): TOPMed 0.00005; gnomAD 0.00006; ESP Exome Variant Server 0.00008.
gnomAD v4.1: 158 of 1,613,788 alleles (0.0098%); highest among the groups gnomAD compares: Non-Finnish European, 0.012%; 1 homozygote.

Submission:

Labcorp Genetics (formerly Invitae), Labcorp
Classification: Uncertain significance. Last evaluated: 2024-11-25. Review status: criteria provided, single submitter. Criteria: Invitae Variant Classification Sherloc (09022015). Collection method: clinical testing. Allele origin: germline.
Comment: This sequence change creates a premature translational stop signal (p.Arg423*) in the PCK2 gene. It is expected to result in an absent or disrupted protein product. However, the current clinical and genetic evidence is not sufficient to establish whether loss-of-function variants in PCK2 cause disease. This variant is present in population databases (rs200437491, gnomAD 0.008%). This variant has not been reported in the literature in individuals affected with PCK2-related conditions. ClinVar contains an entry for this variant (Variation ID: 2725443). In summary, the available evidence is currently insufficient to determine the role of this variant in disease. Therefore, it has been classified as a Variant of Uncertain Significance.